The following is an entry in ClinVar:

ClinVar aggregate classification (germline): Conflicting classifications of pathogenicity. Review status: criteria provided, conflicting classifications (1 of 4 stars). 6 submissions from 6 submitters: Likely pathogenic (5); Uncertain significance (1). Last evaluated 2026-01-11.

Conditions:
Maple syrup urine disease (MSUD). Identifiers: Orphanet 511, MedGen C0024776, MeSH D008375, MONDO:0009563. Disease mechanism: loss of function.
Maple syrup urine disease type 1B (MSUD1B). Also called: MSUD type IB; MSUD type 3 (formerly); MSUD due to deficiency of e1-beta subunit of branched-chain alpha-keto acid dehydrogenase complex. Identifiers: MedGen C2930990, MONDO:0023692, OMIM 620698.

Allele frequency attached by ClinVar (database versions not stated): ExAC 0.00001; TOPMed 0.00002; 1000 Genomes Project 30x 0.00031; gnomAD 0.00001 and 0.00002; gnomAD exomes 0.00001.
gnomAD v4.1: 22 of 1,614,100 alleles (0.0014%); highest among the groups gnomAD compares: South Asian, 0.0044%; no homozygotes.

Submissions (6):

Labcorp Genetics (formerly Invitae), Labcorp
Classification: Likely pathogenic for Maple syrup urine disease. Last evaluated: 2026-01-11. Review status: criteria provided, single submitter. Criteria: Invitae Variant Classification Sherloc (09022015). Collection method: clinical testing. Allele origin: germline.
Comment: This sequence change replaces tyrosine, which is neutral and polar, with cysteine, which is neutral and slightly polar, at codon 169 of the BCKDHB protein (p.Tyr169Cys). This variant is present in population databases (rs398124580, gnomAD 0.005%). This missense change has been observed in individual(s) with maple syrup urine disease (PMID: 31112740, 33131499; internal data). In at least one individual the data is consistent with being in trans (on the opposite chromosome) from a pathogenic variant. ClinVar contains an entry for this variant (Variation ID: 96587). An algorithm developed to predict the effect of missense changes on protein structure and function (PolyPhen-2) suggests that this variant is likely to be disruptive. In summary, the currently available evidence indicates that the variant is pathogenic, but additional data are needed to prove that conclusively. Therefore, this variant has been classified as Likely Pathogenic.

Natera, Inc.
Classification: Likely pathogenic for Maple syrup urine disease type 1B. Last evaluated: 2025-11-19. Review status: criteria provided, single submitter. Criteria: Natera Variant Classification Schema (03/2026). Collection method: clinical testing. Allele origin: germline.
Comment: The c.506A>G variant in BCKDHB is a missense variant predicted to cause substitution of tyrosine to cysteine at amino acid 169. This variant is rare in the general population with a frequency below the threshold expected for the associated phenotype(s). This variant has been observed in one or more individuals affected with the associated recessive disease, as either homozygous or compound heterozygous with a second variant (PMID: 31112740, 33131499, 39456016). Computational prediction algorithms indicate this variant is likely to affect gene or protein function. Given the available evidence, this variant is classified as Likely Pathogenic.

Myriad Genetics, Inc.
Classification: Likely pathogenic for Maple syrup urine disease type 1B. Last evaluated: 2025-10-30. Review status: criteria provided, single submitter. Criteria: Myriad Autosomal Dominant, Autosomal Recessive and X-Linked Classification Criteria (2023). Collection method: clinical testing. Allele origin: unknown.
Comment: NM_183050.2(BCKDHB):c.506A>G(Y169C) is a missense variant classified as likely pathogenic in the context of maple syrup urine disease type Ib. Y169C has been observed in cases with relevant disease (PMID: 31112740, 33131499, 39456016, Park 2015 (Abstract)). Relevant functional assessments of this variant are not available in the literature. Y169C has been observed in referenced population frequency databases. In summary, NM_183050.2(BCKDHB):c.506A>G(Y169C) is a missense variant that has been observed more frequently in cases with the relevant disease than in healthy populations. Please note: this variant was assessed in the context of healthy population screening.

Baylor Genetics
Classification: Likely pathogenic for Maple syrup urine disease type 1A. Last evaluated: 2023-09-21. Review status: criteria provided, single submitter. Criteria: ACMG Guidelines, 2015. Collection method: clinical testing. Allele origin: unknown.

Genome-Nilou Lab
Classification: Likely pathogenic for Maple syrup urine disease type 1A. Last evaluated: 2021-11-07. Review status: criteria provided, single submitter. Criteria: ACMG Guidelines, 2015. Collection method: clinical testing. Allele origin: germline. Affected: no.

Eurofins Ntd Llc (ga)
Classification: Uncertain significance. Last evaluated: 2013-09-03. Review status: criteria provided, single submitter. Criteria: EGL Classification Definitions 2015. Collection method: clinical testing. Allele origin: germline. Observed: 2 variant alleles, 2 heterozygotes.

Literature cited by the submitters: PubMed 31112740 (cited by Labcorp Genetics (formerly Invitae), Labcorp and Natera, Inc.); PubMed 33131499 (cited by Labcorp Genetics (formerly Invitae), Labcorp and Natera, Inc.); PubMed 39456016 (cited by Natera, Inc.).

NM_183050.4(BCKDHB):c.506A>G (p.Tyr169Cys)

Gene: BCKDHB (branched chain keto acid dehydrogenase E1 subunit beta; plus strand). Cytogenetic location: 6q14.1.
Variant type: single nucleotide variant.
Coding change: c.506A>G on transcript NM_183050.4 (MANE Select); coding-DNA position 506, A replaced by G.
Protein change: p.Tyr169Cys; replaces tyrosine 169 with cysteine.
Molecular consequence: missense variant. On other transcripts: non-coding transcript variant (1).
Genome position (GRCh38, 1-based): chr6:80,168,903, A>G. VCF-style: chr6-80168903-A-G. GRCh37 (hg19) VCF-style: chr6-80878620-A-G.
Other names: c.506A>G (NM_183050.3); c.506A>G, p.Tyr169Cys (NM_000056.5); c.296A>G, p.Tyr99Cys (NM_001318975.1); short protein forms Y169C, Y99C.
Identifiers: ClinVar variation 96587 (VCV000096587.24), dbSNP rs398124580, ClinGen allele CA224292.